The following is an entry in ClinVar:

NM_002887.4(RARS1):c.1423G>A (p.Asp475Asn)

Gene: RARS1 (arginyl-tRNA synthetase 1; plus strand). Cytogenetic location: 5q34.
Variant type: single nucleotide variant.
Coding change: c.1423G>A on transcript NM_002887.4 (MANE Select); coding-DNA position 1423, G replaced by A.
Protein change: p.Asp475Asn; replaces aspartic acid 475 with asparagine.
Molecular consequence: missense variant.
Genome position (GRCh38, 1-based): chr5:168,510,657, G>A. VCF-style: chr5-168510657-G-A. GRCh37 (hg19) VCF-style: chr5-167937662-G-A.
Other names: c.1423G>A (NM_002887.3); short protein forms D475N.
Identifiers: ClinVar variation 1680435 (VCV001680435.9), dbSNP rs368204419, ClinGen allele CA3549919.

ClinVar aggregate classification (germline): Uncertain significance. Review status: criteria provided, multiple submitters, no conflicts (2 of 4 stars). 2 submissions from 2 submitters: Uncertain significance (2). Last evaluated 2024-12-09.

Conditions:
Inborn genetic diseases. Identifiers: MedGen C0950123, MeSH D030342.

Allele frequency attached by ClinVar (database versions not stated): ExAC 0.00001; gnomAD 0.00001; gnomAD exomes 0.00001; TOPMed 0.00003; ESP Exome Variant Server 0.00008.
gnomAD v4.1: 17 of 1,610,308 alleles (0.0011%); highest among the groups gnomAD compares: South Asian, 0.0022%; no homozygotes.

Submissions (2):

Ambry Genetics
Classification: Uncertain significance for Inborn genetic diseases. Last evaluated: 2024-12-09. Review status: criteria provided, single submitter. Criteria: Ambry Variant Classification Scheme 2023. Collection method: clinical testing. Allele origin: germline.

Labcorp Genetics (formerly Invitae), Labcorp
Classification: Uncertain significance. Last evaluated: 2021-09-10. Review status: criteria provided, single submitter. Criteria: Invitae Variant Classification Sherloc (09022015). Collection method: clinical testing. Allele origin: germline.
Comment: In summary, the available evidence is currently insufficient to determine the role of this variant in disease. Therefore, it has been classified as a Variant of Uncertain Significance. Algorithms developed to predict the effect of missense changes on protein structure and function are either unavailable or do not agree on the potential impact of this missense change (SIFT: "Deleterious"; PolyPhen-2: "Benign"; Align-GVGD: "Class C0"). This variant has not been reported in the literature in individuals affected with RARS-related conditions. This variant is present in population databases (rs368204419, ExAC 0.002%). This sequence change replaces aspartic acid with asparagine at codon 475 of the RARS protein (p.Asp475Asn). The aspartic acid residue is moderately conserved and there is a small physicochemical difference between aspartic acid and asparagine.